The following is an entry in ClinVar:

NM_001134407.3(GRIN2A):c.2627T>C (p.Ile876Thr)

Gene: GRIN2A (glutamate ionotropic receptor NMDA type subunit 2A; minus strand). Cytogenetic location: 16p13.2.
Variant type: single nucleotide variant.
Coding change: c.2627T>C on transcript NM_001134407.3 (MANE Select); coding-DNA position 2627, T replaced by C.
Protein change: p.Ile876Thr; replaces isoleucine 876 with threonine.
Molecular consequence: missense variant.
Genome position (GRCh38, 1-based): chr16:9,764,917, A>G on the plus strand (T>C on the coding strand, the complement: GRIN2A is on the minus strand). VCF-style: chr16-9764917-A-G. GRCh37 (hg19) VCF-style: chr16-9858774-A-G.
Other names: p.I876T:ATT>ACT; c.2627T>C, p.Ile876Thr (NM_000833.5, NM_001134408.2); short protein forms I876T.
Identifiers: ClinVar variation 205692 (VCV000205692.31), dbSNP rs199784503, ClinGen allele CA315015.

ClinVar aggregate classification (germline): Conflicting classifications of pathogenicity. Review status: criteria provided, conflicting classifications (1 of 4 stars). 7 submissions from 7 submitters: Uncertain significance (1); Benign (1); Likely benign (4). 1 of the submissions does not count toward it. Last evaluated 2025-12-01.

Conditions:
GRIN2A-related complex neurodevelopmental disorder. Also called: GRIN2A-related disorder; GRIN2A-related condition. Identifiers: MedGen CN379781, MONDO:1060139.
Inborn genetic diseases. Identifiers: MedGen C0950123, MeSH D030342.
Landau-Kleffner syndrome (FESD). Also called: APHASIA, ACQUIRED, WITH EPILEPSY; EPILEPSY, FOCAL, WITH SPEECH DISORDER AND WITH OR WITHOUT MENTAL RETARDATION. Identifiers: Orphanet 1945, Orphanet 725, Orphanet 98818, MedGen C0282512, MONDO:0009509, OMIM 245570.

Allele frequency attached by ClinVar (database versions not stated): 1000 Genomes Project 30x 0.00031; ExAC 0.00032; 1000 Genomes Project 0.00040; TOPMed 0.00067.
gnomAD v4.1: 205 of 1,614,112 alleles (0.013%); highest among the groups gnomAD compares: East Asian, 0.24%; no homozygotes.

Submissions (7):

Labcorp Genetics (formerly Invitae), Labcorp
Classification: Likely benign for Landau-Kleffner syndrome. Last evaluated: 2025-12-01. Review status: criteria provided, single submitter. Criteria: Invitae Variant Classification Sherloc (09022015). Collection method: clinical testing. Allele origin: germline.

CeGaT Center for Human Genetics Tuebingen
Classification: Benign. Last evaluated: 2025-07-01. Review status: criteria provided, single submitter. Criteria: CeGaT Center For Human Genetics Tuebingen Variant Classification Criteria Version 2. Collection method: clinical testing. Allele origin: germline. Affected: yes. Observed: 1 variant allele.
Comment: GRIN2A: BS1, BS2

Blueprint Genetics
Classification: Likely benign. Last evaluated: 2024-10-11. Review status: criteria provided, single submitter. Criteria: ACMG Guidelines, 2015. Collection method: clinical testing. Allele origin: germline.

Eurofins Ntd Llc (ga)
Classification: Likely benign. Last evaluated: 2018-04-20. Review status: criteria provided, single submitter. Criteria: EGL ClinVar v180209 classification definitions. Collection method: clinical testing. Allele origin: germline. Observed: 1 variant allele, 1 heterozygote.

GeneDx
Classification: Likely benign. Last evaluated: 2018-02-06. Review status: criteria provided, single submitter. Criteria: GeneDx Variant Classification (06012015). Collection method: clinical testing. Allele origin: germline. Affected: yes.
Comment: This variant is considered likely benign or benign based on one or more of the following criteria: it is a conservative change, it occurs at a poorly conserved position in the protein, it is predicted to be benign by multiple in silico algorithms, and/or has population frequency not consistent with disease.

Ambry Genetics
Classification: Uncertain significance for Inborn genetic diseases. Last evaluated: 2016-08-26. Review status: criteria provided, single submitter. Criteria: Ambry Variant Classification Scheme 2023. Collection method: clinical testing. Allele origin: germline.
Comment: The p.I876T variant (also known as c.2627T>C), located in coding exon 12 of the GRIN2A gene, results from a T to C substitution at nucleotide position 2627. The isoleucine at codon 876 is replaced by threonine, an amino acid with similar properties. In one study, this alteration was detected in an individual with temporal lobe epilepsy (Lal D et al. Epilepsy Res., 2015 Sep;115:95-9). This variant was previously reported in the SNPDatabase as rs199784503. Based on data from the 1000 Genomes Project, the C allele has an overall frequency of approximately 0.05% (1/2098) total alleles studied. The highest observed frequency was 0.54% (1/184) Southern Han Chinese alleles. This amino acid position is highly conserved in available vertebrate species. Using the BDGP and ESEfinder splice site prediction tools, this alteration is not predicted to have any significant effect on this splice acceptor/donor site; however, direct evidence is unavailable. In addition, the in silico prediction for this alteration is inconclusive. Since supporting evidence is limited at this time, the clinical significance of this alteration remains unclear.

PreventionGenetics, part of Exact Sciences
Classification: Likely benign for GRIN2A-related condition. Last evaluated: 2020-10-28. Review status: no assertion criteria provided. Collection method: clinical testing. Allele origin: germline. Not counted in ClinVar's aggregate classification.
Comment: This variant is classified as likely benign based on ACMG/AMP sequence variant interpretation guidelines (Richards et al. 2015 PMID: 25741868, with internal and published modifications).

Literature cited by the submitters: PubMed 26220384 (cited by Ambry Genetics).